The following is an entry in ClinVar:

ClinVar aggregate classification (germline): Uncertain significance (1 of 4 stars; one submission).

Allele frequency attached by ClinVar (database versions not stated): TOPMed below 0.00001.

Submission:

Labcorp Genetics (formerly Invitae), Labcorp
Classification: Uncertain significance. Last evaluated: 2024-11-18. Review status: criteria provided, single submitter. Criteria: Invitae Variant Classification Sherloc (09022015). Collection method: clinical testing. Allele origin: germline.
Comment: This sequence change falls in intron 2 of the REPS1 gene. It does not directly change the encoded amino acid sequence of the REPS1 protein. It affects a nucleotide within the consensus splice site. This variant is not present in population databases (gnomAD no frequency). This variant has not been reported in the literature in individuals affected with REPS1-related conditions. ClinVar contains an entry for this variant (Variation ID: 2783153). Variants that disrupt the consensus splice site are a relatively common cause of aberrant splicing (PMID: 17576681, 9536098). Algorithms developed to predict the effect of sequence changes on RNA splicing suggest that this variant is not likely to affect RNA splicing. In summary, the available evidence is currently insufficient to determine the role of this variant in disease. Therefore, it has been classified as a Variant of Uncertain Significance.

Literature cited by the submitters: PubMed 17576681; PubMed 9536098.

NM_001286611.2(REPS1):c.277+5A>G

Gene: REPS1 (RALBP1 associated Eps domain containing 1; minus strand). Cytogenetic location: 6q24.1.
Variant type: single nucleotide variant.
Coding change: c.277+5A>G on transcript NM_001286611.2 (MANE Select); 5 bases into the intron after coding-DNA position 277, A replaced by G.
Molecular consequence: intron variant.
Genome position (GRCh38, 1-based): chr6:138,947,785, T>C on the plus strand (A>G on the coding strand, the complement: REPS1 is on the minus strand). VCF-style: chr6-138947785-T-C. GRCh37 (hg19) VCF-style: chr6-139268922-T-C.
Other names: c.277+5A>G (NM_001286612.2, NM_001128617.3, NM_031922.5).
Identifiers: ClinVar variation 2783153 (VCV002783153.3), dbSNP rs981583480, ClinGen allele CA148336550.